The following is an entry in ClinVar:

ClinVar aggregate classification (germline): Likely pathogenic (1 of 4 stars; one submission).

Conditions:
Progressive muscular dystrophy. Identifiers: Orphanet 206644, MedGen C4551827, MONDO:0016106.

Submission:

Myriad Genetics, Inc.
Classification: Likely pathogenic for Progressive muscular dystrophy. Last evaluated: 2020-02-07. Review status: criteria provided, single submitter. Criteria: Myriad Autosomal Dominant, Autosomal Recessive and X-Linked Classification Criteria (2023). Collection method: clinical testing. Allele origin: unknown.
Comment: NM_004006.2(DMD):c.6428G>A(W2143*) is expected to be pathogenic in the context of dystrophinopathy (including Duchenne/Becker muscular dystrophy). This variant is predicted to lead to an abnormal or absent protein product due to the creation of a premature termination codon in DMD, a gene where loss-of-function variants are known to be pathogenic. Please note: this variant was assessed in the context of healthy population screening.

NM_004006.3(DMD):c.6428G>A (p.Trp2143Ter)

Gene: DMD (dystrophin; minus strand). Cytogenetic location: Xp21.1.
Variant type: single nucleotide variant.
Coding change: c.6428G>A on transcript NM_004006.3 (MANE Select); coding-DNA position 6428, G replaced by A.
Protein change: p.Trp2143Ter; replaces tryptophan 2143 with a stop codon.
Molecular consequence: nonsense.
Genome position (GRCh38, 1-based): chrX:32,216,926, C>T on the plus strand (G>A on the coding strand, the complement: DMD is on the minus strand). VCF-style: chrX-32216926-C-T. GRCh37 (hg19) VCF-style: chrX-32235043-C-T.
Other names: c.6404G>A, p.Trp2135Ter (NM_000109.4); c.6416G>A, p.Trp2139Ter (NM_004009.3); c.6059G>A, p.Trp2020Ter (NM_004010.3); c.2405G>A, p.Trp802Ter (NM_004011.4); c.2396G>A, p.Trp799Ter (NM_004012.4); short protein forms W2020*, W2135*, W2139*, W2143*, W799*, W802*.
Identifiers: ClinVar variation 984218 (VCV000984218.4), dbSNP rs2097114467, ClinGen allele CA412660485.